The following is an entry in ClinVar:

ClinVar aggregate classification (germline): Uncertain significance (1 of 4 stars; one submission).

Conditions:
Hypertrophic cardiomyopathy 14. Identifiers: MedGen C2750467, MONDO:0013197, OMIM 613251.

Submission:

Labcorp Genetics (formerly Invitae), Labcorp
Classification: Uncertain significance for Hypertrophic cardiomyopathy 14. Last evaluated: 2025-03-29. Review status: criteria provided, single submitter. Criteria: Invitae Variant Classification Sherloc (09022015). Collection method: clinical testing. Allele origin: germline.
Comment: This sequence change replaces lysine, which is basic and polar, with glutamine, which is neutral and polar, at codon 1900 of the MYH6 protein (p.Lys1900Gln). This variant is not present in population databases (gnomAD no frequency). This variant has not been reported in the literature in individuals affected with MYH6-related conditions. Invitae Evidence Modeling of protein sequence and biophysical properties (such as structural, functional, and spatial information, amino acid conservation, physicochemical variation, residue mobility, and thermodynamic stability) indicates that this missense variant is not expected to disrupt MYH6 protein function with a negative predictive value of 80%. In summary, the available evidence is currently insufficient to determine the role of this variant in disease. Therefore, it has been classified as a Variant of Uncertain Significance.

NM_002471.4(MYH6):c.5698A>C (p.Lys1900Gln)

Gene: MYH6 (myosin heavy chain 6; minus strand). Cytogenetic location: 14q11.2.
Variant type: single nucleotide variant.
Coding change: c.5698A>C on transcript NM_002471.4 (MANE Select); coding-DNA position 5698, A replaced by C.
Protein change: p.Lys1900Gln; replaces lysine 1900 with glutamine.
Molecular consequence: missense variant.
Genome position (GRCh38, 1-based): chr14:23,382,526, T>G on the plus strand (A>C on the coding strand, the complement: MYH6 is on the minus strand). VCF-style: chr14-23382526-T-G. GRCh37 (hg19) VCF-style: chr14-23851735-T-G.
Other names: short protein forms K1900Q.
Identifiers: ClinVar variation 4737823 (VCV004737823.1).